The following is an entry in ClinVar:

NM_020832.3(ZNF687):c.288_289delinsAC (p.Ala97Pro)

Gene: ZNF687 (zinc finger protein 687; plus strand). Cytogenetic location: 1q21.3.
Variant type: Indel.
Coding change: c.288_289delinsAC on transcript NM_020832.3 (MANE Select); coding-DNA positions 288 to 289, GG replaced by AC.
Protein change: p.Ala97Pro; replaces alanine 97 with proline.
Molecular consequence: missense variant.
Genome position (GRCh38, 1-based): chr1:151,286,579-151,286,580, GG replaced by AC. VCF-style: chr1-151286579-GG-AC. GRCh37 (hg19) VCF-style: chr1-151259055-GG-AC.
Other names: c.288_289delinsAC, p.Ala97Pro (NM_001304763.2, NM_001304764.2); short protein forms A97P.
Identifiers: ClinVar variation 3623275 (VCV003623275.3).
Genomic context (GRCh38, chr1:151,286,579, plus strand): 5'-GCCAGACATTTCTGTAGTCAGTGTCATTGTCAAGAACACTGTGTGTCCCGAGCAGTCTGA[GG>AC]CCCTGGCTGGAGGCTCAGCAGGAGACGGGGCCCAGGCTGCTGGGGTAACTAAAGAAGGGC-3'
Protein context (NP_065883.1, residues 87-107): KNTVCPEQSE[Ala97Pro]LAGGSAGDGA

ClinVar aggregate classification (germline): Uncertain significance. Review status: criteria provided, multiple submitters, no conflicts (2 of 4 stars). 2 submissions from 2 submitters: Uncertain significance (2). Last evaluated 2025-06-17.

Submissions (2):

Women's Health and Genetics/Laboratory Corporation of America, LabCorp
Classification: Uncertain significance. Last evaluated: 2025-06-17. Review status: criteria provided, single submitter. Criteria: LabCorp Variant Classification Summary - May 2015. Collection method: clinical testing. Allele origin: germline.
Comment: Variant summary: ZNF687 c.288_289delinsAC (p.Ala97Pro) results in a non-conservative amino acid change in the encoded protein sequence. Algorithms developed to predict the effect of missense changes on protein structure and function all suggest that this variant is likely to be disruptive. The frequency of this variant in the general population could not be determined as the technology used for large population databases (ExAC, gnomAD, ESP, 1000G) cannot detect variants of this type. The available data on variant occurrences in the general population are insufficient to allow any conclusion about variant significance. To our knowledge, no occurrence of c.288_289delinsAC in individuals affected with Paget Disease Of Bone 6 and no experimental evidence demonstrating its impact on protein function have been reported. ClinVar contains an entry for this variant (Variation ID: 3623275). Based on the evidence outlined above, the variant was classified as uncertain significance.

Labcorp Genetics (formerly Invitae), Labcorp
Classification: Uncertain significance. Last evaluated: 2024-03-12. Review status: criteria provided, single submitter. Criteria: Invitae Variant Classification Sherloc (09022015). Collection method: clinical testing. Allele origin: germline.
Comment: This sequence change replaces alanine, which is neutral and non-polar, with proline, which is neutral and non-polar, at codon 97 of the ZNF687 protein (p.Ala97Pro). Information on the frequency of this variant in the gnomAD database is not available, as this variant may be reported differently in the database. This variant has not been reported in the literature in individuals affected with ZNF687-related conditions. Experimental studies and prediction algorithms are not available or were not evaluated, and the functional significance of this variant is currently unknown. In summary, the available evidence is currently insufficient to determine the role of this variant in disease. Therefore, it has been classified as a Variant of Uncertain Significance.